The following is an entry in ClinVar:

ClinVar aggregate classification (germline): Likely benign (1 of 4 stars; one submission).

Submission:

GeneDx
Classification: Likely benign. Last evaluated: 2016-02-15. Review status: criteria provided, single submitter. Criteria: GeneDx Variant Classification (06012015). Collection method: clinical testing. Allele origin: germline. Affected: yes.
Comment: This variant is considered likely benign or benign based on one or more of the following criteria: it is a conservative change, it occurs at a poorly conserved position in the protein, it is predicted to be benign by multiple in silico algorithms, and/or has population frequency not consistent with disease.

NM_004366.6(CLCN2):c.1327-5T>C

Gene: CLCN2 (chloride voltage-gated channel 2; minus strand). Cytogenetic location: 3q27.1.
Variant type: single nucleotide variant.
Coding change: c.1327-5T>C on transcript NM_004366.6 (MANE Select); 5 bases into the intron before coding-DNA position 1327, T replaced by C.
Molecular consequence: intron variant.
Genome position (GRCh38, 1-based): chr3:184,354,978, A>G on the plus strand (T>C on the coding strand, the complement: CLCN2 is on the minus strand). VCF-style: chr3-184354978-A-G. GRCh37 (hg19) VCF-style: chr3-184072766-A-G.
Other names: c.1195-5T>C (NM_001171088.3); c.1327-5T>C (NM_001171087.3, NM_001171089.3).
Identifiers: ClinVar variation 383187 (VCV000383187.1), dbSNP rs1057521546, ClinGen allele CA16604398.
Genomic context (GRCh38, chr3:184,354,978, plus strand): 5'-GGCATGAAGGCCCCACAGGGAACTGGGATGGTGGTGGCCAGTGCAGACATCCAGAACTGC[A>G]GGCAGGGGGTGGTTCAAAGGCGAAGAGGCTCCACCTGGCCCCAGGCAGCCCACAGCGCCA-3'